The following is an entry in ClinVar:

NM_006767.4(LZTR1):c.1430C>T (p.Ala477Val)

Gene: LZTR1 (leucine zipper like post translational regulator 1; plus strand). Cytogenetic location: 22q11.21.
Variant type: single nucleotide variant.
Coding change: c.1430C>T on transcript NM_006767.4 (MANE Select); coding-DNA position 1430, C replaced by T.
Protein change: p.Ala477Val; replaces alanine 477 with valine.
Molecular consequence: missense variant.
Genome position (GRCh38, 1-based): chr22:20,994,000, C>T. VCF-style: chr22-20994000-C-T. GRCh37 (hg19) VCF-style: chr22-21348289-C-T.
Other names: short protein forms A477V.
Identifiers: ClinVar variation 1487092 (VCV001487092.11), dbSNP rs762005490, ClinGen allele CA322268938.

ClinVar aggregate classification (germline): Uncertain significance. Review status: criteria provided, multiple submitters, no conflicts (2 of 4 stars). 2 submissions from 2 submitters: Uncertain significance (2). Last evaluated 2025-12-16.

Conditions:
Hereditary cancer-predisposing syndrome. Also called: Hereditary neoplastic syndrome; Neoplastic Syndromes, Hereditary; Hereditary Cancer Syndrome; Tumor predisposition. Identifiers: Orphanet 140162, MedGen C0027672, MeSH D009386, MONDO:0015356.
Cardiovascular phenotype. Identifiers: MedGen CN230736.

gnomAD v4.1: 7 of 1,610,766 alleles (0.00043%); highest among the groups gnomAD compares: Admixed American, 0.0017%; no homozygotes.

Submissions (3):

Labcorp Genetics (formerly Invitae), Labcorp
Classification: Uncertain significance. Last evaluated: 2025-12-16. Review status: criteria provided, single submitter. Criteria: Invitae Variant Classification Sherloc (09022015). Collection method: clinical testing. Allele origin: germline.
Comment: This sequence change replaces alanine, which is neutral and non-polar, with valine, which is neutral and non-polar, at codon 477 of the LZTR1 protein (p.Ala477Val). The frequency data for this variant in the population databases is considered unreliable, as metrics indicate poor data quality at this position in the gnomAD database. This missense change has been observed in individual(s) with clinical features of Noonan syndrome (PMID: 32514133, 35840934). ClinVar contains an entry for this variant (Variation ID: 1487092). Invitae Evidence Modeling of protein sequence and biophysical properties (such as structural, functional, and spatial information, amino acid conservation, physicochemical variation, residue mobility, and thermodynamic stability) indicates that this missense variant is not expected to disrupt LZTR1 protein function with a negative predictive value of 80%. Algorithms developed to predict the effect of sequence changes on RNA splicing suggest that this variant may create or strengthen a splice site. In summary, the available evidence is currently insufficient to determine the role of this variant in disease. Therefore, it has been classified as a Variant of Uncertain Significance.

Ambry Genetics
Classification: Uncertain significance for Cardiovascular phenotype; Hereditary cancer-predisposing syndrome. Last evaluated: 2022-01-21. Review status: criteria provided, single submitter. Criteria: Ambry Variant Classification Scheme 2023. Collection method: clinical testing. Allele origin: germline.
Comment: The p.A477V variant (also known as c.1430C>T), located in coding exon 13 of the LZTR1 gene, results from a C to T substitution at nucleotide position 1430. The alanine at codon 477 is replaced by valine, an amino acid with similar properties. This alteration has been reported in the heterozygous state in an individual with a clinical diagnosis of Noonan syndrome (Ferrari L et al. Eur J Hum Genet, 2020 10;28:1432-1445). This amino acid position is highly conserved in available vertebrate species. In addition, the in silico prediction for this alteration is inconclusive. Since supporting evidence is limited at this time, the clinical significance of this alteration remains unclear.

Dr. Peter K. Rogan Lab, Western University
No classification provided (evidence only). Condition: Glioma susceptibility 1. Review status: no classification provided. Collection method: in vitro. Allele origin: not applicable. Functional consequence: retained intron. Not counted in ClinVar's aggregate classification.

Literature cited by the submitters: PubMed 32514133 (cited by Labcorp Genetics (formerly Invitae), Labcorp); PubMed 35840934 (cited by Labcorp Genetics (formerly Invitae), Labcorp).